The following is an entry in ClinVar:

ClinVar aggregate classification (germline): Uncertain significance (1 of 4 stars; one submission).

Conditions:
Congenital contractural arachnodactyly (CCA). Also called: BEALS SYNDROME; Beals-Hecht syndrome; Arthrogryposis, distal, type 9. Identifiers: Orphanet 115, MedGen C0220668, MONDO:0007363, OMIM 121050.

Submission:

Labcorp Genetics (formerly Invitae), Labcorp
Classification: Uncertain significance for Congenital contractural arachnodactyly. Last evaluated: 2024-01-25. Review status: criteria provided, single submitter. Criteria: Invitae Variant Classification Sherloc (09022015). Collection method: clinical testing. Allele origin: germline.
Comment: This sequence change replaces alanine, which is neutral and non-polar, with serine, which is neutral and polar, at codon 1435 of the FBN2 protein (p.Ala1435Ser). This variant is not present in population databases (gnomAD no frequency). This variant has not been reported in the literature in individuals affected with FBN2-related conditions. Advanced modeling of protein sequence and biophysical properties (such as structural, functional, and spatial information, amino acid conservation, physicochemical variation, residue mobility, and thermodynamic stability) performed at Invitae indicates that this missense variant is not expected to disrupt FBN2 protein function with a negative predictive value of 80%. In summary, the available evidence is currently insufficient to determine the role of this variant in disease. Therefore, it has been classified as a Variant of Uncertain Significance.

NM_001999.4(FBN2):c.4303G>T (p.Ala1435Ser)

Gene: FBN2 (fibrillin 2; minus strand). Cytogenetic location: 5q23.3.
Variant type: single nucleotide variant.
Coding change: c.4303G>T on transcript NM_001999.4 (MANE Select); coding-DNA position 4303, G replaced by T.
Protein change: p.Ala1435Ser; replaces alanine 1435 with serine.
Molecular consequence: missense variant.
Genome position (GRCh38, 1-based): chr5:128,330,615, C>A on the plus strand (G>T on the coding strand, the complement: FBN2 is on the minus strand). VCF-style: chr5-128330615-C-A. GRCh37 (hg19) VCF-style: chr5-127666307-C-A.
Other names: short protein forms A1435S.
Identifiers: ClinVar variation 2896824 (VCV002896824.3), dbSNP rs2479786382, ClinGen allele CA360753966.